The following is an entry in ClinVar:

ClinVar aggregate classification (germline): Likely pathogenic (1 of 4 stars; one submission).

Conditions:
Hereditary insensitivity to pain with anhidrosis (CIPA). Also called: INSENSITIVITY TO PAIN, CONGENITAL, WITH ANHIDROSIS; hereditary sensory and autonomic neuropathy type 4; FAMILIAL DYSAUTONOMIA, TYPE II; NEUROPATHY, CONGENITAL SENSORY, WITH ANHIDROSIS; NTRK1 Congenital Insensitivity to Pain with Anhidrosis; HSAN Type IV. Identifiers: Orphanet 642, MedGen C0020074, MONDO:0009746, OMIM 256800.

Submission:

Natera, Inc.
Classification: Likely pathogenic for Hereditary insensitivity to pain with anhidrosis. Last evaluated: 2024-11-20. Review status: criteria provided, single submitter. Criteria: Natera Variant Classification Schema (03/2026). Collection method: clinical testing. Allele origin: germline.
Comment: The c.783_785del variant in NTRK1 is an in-frame deletion predicted to remove lysine at amino acid 261 while preserving the reading frame. This variant is rare in the general population with a frequency below the threshold expected for the associated phenotype(s). This variant has been observed in one or more individuals affected with the associated recessive disease, as either homozygous or compound heterozygous with a second variant (PMID: 27772781). Additionally, this variant has been observed to segregate in affected family members (PMID: 27772781). This variant results in a change to the protein length while preserving reading frame, which may disrupt normal protein structure or function. Computational prediction algorithms indicate this variant is likely to affect gene or protein function. Given the available evidence, this variant is classified as Likely Pathogenic.

Literature cited by the submitters: PubMed 27772781.

NM_002529.4(NTRK1):c.780GAA[1] (p.Lys261del)

Gene: NTRK1 (neurotrophic receptor tyrosine kinase 1; plus strand). Cytogenetic location: 1q23.1.
Variant type: Microsatellite.
Coding change: c.780GAA[1] on transcript NM_002529.4 (MANE Select); one copy of the 3-base unit GAA starting at c.780; the reference has two copies in a row; one copy, 3 bases deleted.
Protein change: p.Lys261del; deletes lysine 261.
Molecular consequence: inframe deletion. On other transcripts: inframe indel (2).
Genome position (GRCh38, 1-based): chr1:156,871,688-156,871,690, GAA deleted; deleting any 3 consecutive bases within chr1:156,871,685-156,871,690 gives the same sequence; the position shown is the placement nearest the transcript's 3' end. VCF-style (leftmost placement, unchanged base first): chr1-156871684-GGAA-G. GRCh37 (hg19) VCF-style: chr1-156841476-GGAA-G.
Other names: c.783_785del (NM_001012331.1); c.690GAA[1], p.Lys231del (NM_001007792.1); c.780_782GAA[1], p.Lys261del (NM_001012331.1); c.780GAA[1], p.Lys261del (NM_001012331.2); short protein forms K231del, K261del.
Identifiers: ClinVar variation 4814523 (VCV004814523.1).